The following is an entry in ClinVar:

NM_015665.6(AAAS):c.56A>G (p.Tyr19Cys)

Gene: AAAS (aladin WD repeat nucleoporin; minus strand). Cytogenetic location: 12q13.13.
Variant type: single nucleotide variant.
Coding change: c.56A>G on transcript NM_015665.6 (MANE Select); coding-DNA position 56, A replaced by G.
Protein change: p.Tyr19Cys; replaces tyrosine 19 with cysteine.
Molecular consequence: missense variant.
Genome position (GRCh38, 1-based): chr12:53,321,410, T>C on the plus strand (A>G on the coding strand, the complement: AAAS is on the minus strand). VCF-style: chr12-53321410-T-C. GRCh37 (hg19) VCF-style: chr12-53715194-T-C.
Other names: c.56A>G, p.Tyr19Cys (NM_001173466.2); short protein forms Y19C.
Identifiers: ClinVar variation 3254953 (VCV003254953.3), dbSNP rs1171605143.

ClinVar aggregate classification (germline): Uncertain significance. Review status: criteria provided, multiple submitters, no conflicts (2 of 4 stars). 2 submissions from 2 submitters: Uncertain significance (2). Last evaluated 2024-09-21.

Conditions:
Glucocorticoid deficiency with achalasia (AAAS). Also called: ALACRIMA-ACHALASIA-ADRENAL INSUFFICIENCY NEUROLOGIC DISORDER; AAA syndrome; Allgrove syndrome; Addisonian achalasia syndrome; Achalasia-addisonianism-alacrimia syndrome; Achalasia-Addisonianism-Alacrima (Triple-A) Syndrome. Identifiers: Orphanet 869, MedGen C0271742, MONDO:0009279, OMIM 231550.

Submissions (2):

Victorian Clinical Genetics Services, Murdoch Childrens Research Institute
Classification: Uncertain significance for Glucocorticoid deficiency with achalasia. Last evaluated: 2024-09-21. Review status: criteria provided, single submitter. Criteria: ACMG Guidelines, 2015. Collection method: clinical testing. Allele origin: germline. Inheritance: Autosomal recessive inheritance. Affected: yes.
Comment: Based on the classification scheme VCGS_Germline_v1.3.4, this variant is classified as VUS-3A. Following criteria are met: 0102 - Loss of function is a known mechanism of disease in this gene and is associated with achalasia-addisonianism-alacrimia syndrome (MIM#231550). (I) 0106 - This gene is associated with autosomal recessive disease. (I) 0200 - Variant is predicted to result in a missense amino acid change from tyrosine to cysteine. (I) 0251 - This variant is heterozygous. (I) 0301 - Variant is absent from gnomAD (both v2 and v3). (SP) 0502 - Missense variant with conflicting in silico predictions and moderate conservation. (I) 0604 - Variant is not located in an established domain, motif, hotspot or informative constraint region. (I) 0705 - No comparable missense variants have previous evidence for pathogenicity. (I) 0803 - This variant has limited previous evidence of pathogenicity in an unrelated individual. This variant has been reported in an individual with AAAS-related features who is compound heterozygous with a splice variant (PMID: 22824007). (SP) 0905 - No published segregation evidence has been identified for this variant. (I) 1007 - No published functional evidence has been identified for this variant. (I) 1208 - Inheritance information for this variant is not currently available in this individual. (I) Legend: (SP) - Supporting pathogenic, (I) - Information, (SB) - Supporting benign

Women's Health and Genetics/Laboratory Corporation of America, LabCorp
Classification: Uncertain significance. Last evaluated: 2024-08-12. Review status: criteria provided, single submitter. Criteria: LabCorp Variant Classification Summary - May 2015. Collection method: clinical testing. Allele origin: germline.
Comment: Variant summary: AAAS c.56A>G (p.Tyr19Cys) results in a non-conservative amino acid change in the encoded protein sequence. Three of five in-silico tools predict a benign effect of the variant on protein function. The variant was absent in 251370 control chromosomes. The available data on variant occurrences in the general population are insufficient to allow any conclusion about variant significance. c.56A>G has been reported in the literature in individuals affected with Glucocorticoid Deficiency With Achalasia (Capataz_2013). These data do not allow any conclusion about variant significance. To our knowledge, no experimental evidence demonstrating an impact on protein function has been reported. The following publication have been ascertained in the context of this evaluation (PMID: 22824007). ClinVar contains an entry for this variant (Variation ID: 3254953). Based on the evidence outlined above, the variant was classified as uncertain significance.

Literature cited by the submitters: PubMed 22824007 (cited by Victorian Clinical Genetics Services, Murdoch Childrens Research Institute and Women's Health and Genetics/Laboratory Corporation of America, LabCorp).